The following is an entry in ClinVar:

ClinVar aggregate classification (germline): Uncertain significance (1 of 4 stars; one submission).

Submission:

Labcorp Genetics (formerly Invitae), Labcorp
Classification: Uncertain significance. Last evaluated: 2024-10-30. Review status: criteria provided, single submitter. Criteria: Invitae Variant Classification Sherloc (09022015). Collection method: clinical testing. Allele origin: germline.
Comment: This sequence change replaces asparagine, which is neutral and polar, with histidine, which is basic and polar, at codon 229 of the ASRGL1 protein (p.Asn229His). This variant is not present in population databases (gnomAD no frequency). This variant has not been reported in the literature in individuals affected with ASRGL1-related conditions. An algorithm developed to predict the effect of missense changes on protein structure and function (PolyPhen-2) suggests that this variant is likely to be disruptive. In summary, the available evidence is currently insufficient to determine the role of this variant in disease. Therefore, it has been classified as a Variant of Uncertain Significance.

NM_001083926.2(ASRGL1):c.685A>C (p.Asn229His)

Gene: ASRGL1 (asparaginase and isoaspartyl peptidase 1; plus strand). Cytogenetic location: 11q12.3.
Variant type: single nucleotide variant.
Coding change: c.685A>C on transcript NM_001083926.2 (MANE Select); coding-DNA position 685, A replaced by C.
Protein change: p.Asn229His; replaces asparagine 229 with histidine.
Molecular consequence: missense variant.
Genome position (GRCh38, 1-based): chr11:62,391,596, A>C. VCF-style: chr11-62391596-A-C. GRCh37 (hg19) VCF-style: chr11-62159068-A-C.
Other names: c.685A>C, p.Asn229His (NM_025080.4); short protein forms N229H.
Identifiers: ClinVar variation 3651384 (VCV003651384.2).